The following is an entry in ClinVar:

NM_001145160.2(TPM4):c.240+6T>G

Gene: TPM4 (tropomyosin 4; plus strand). Cytogenetic location: 19p13.12.
Variant type: single nucleotide variant.
Coding change: c.240+6T>G on transcript NM_001145160.2; 6 bases into the intron after coding-DNA position 240, T replaced by G.
Molecular consequence: intron variant.
Genome position (GRCh38, 1-based): chr19:16,076,178, T>G. VCF-style: chr19-16076178-T-G. GRCh37 (hg19) VCF-style: chr19-16186988-T-G.
Other names: c.192+6T>G (NM_001367836.1).
Identifiers: ClinVar variation 4812225 (VCV004812225.1).
Genomic context (GRCh38, chr19:16,076,178, plus strand): 5'-GGACCTGAAGGACGCGCAGGAGAAGCTGGAGCTCACGGAGAAGAAGGCCTCCGACGTACG[T>G]GTGCAGGGATGCGGGAGCCCGCGGCGGGGCCAGGCCGGAGCCCCGGGGCCGGGAAGGCGG-3'

ClinVar aggregate classification (germline): Uncertain significance (1 of 4 stars; one submission).

gnomAD v4.1: 3 of 1,554,684 alleles (0.00019%); highest among the groups gnomAD compares: Admixed American, 0.0059%; no homozygotes.

Submission:

Labcorp Genetics (formerly Invitae), Labcorp
Classification: Uncertain significance. Last evaluated: 2025-12-04. Review status: criteria provided, single submitter. Criteria: Invitae Variant Classification Sherloc (09022015). Collection method: clinical testing. Allele origin: germline.
Comment: This sequence change falls in intron 2 of the TPM4 gene. It does not directly change the encoded amino acid sequence of the TPM4 protein. It affects a nucleotide within the consensus splice site. This variant is present in population databases (no rsID available, gnomAD 0.004%). This variant has not been reported in the literature in individuals affected with TPM4-related conditions. Variants that disrupt the consensus splice site are a relatively common cause of aberrant splicing (PMID: 17576681, 9536098). Algorithms developed to predict the effect of sequence changes on RNA splicing suggest that this variant may disrupt the consensus splice site. In summary, the available evidence is currently insufficient to determine the role of this variant in disease. Therefore, it has been classified as a Variant of Uncertain Significance.

Literature cited by the submitters: PubMed 17576681; PubMed 9536098.